The following is an entry in ClinVar:

NM_020937.4(FANCM):c.2436C>A (p.His812Gln)

Gene: FANCM (FA complementation group M; plus strand). Cytogenetic location: 14q21.2.
Variant type: single nucleotide variant.
Coding change: c.2436C>A on transcript NM_020937.4 (MANE Select); coding-DNA position 2436, C replaced by A.
Protein change: p.His812Gln; replaces histidine 812 with glutamine.
Molecular consequence: missense variant.
Genome position (GRCh38, 1-based): chr14:45,175,190, C>A. VCF-style: chr14-45175190-C-A. GRCh37 (hg19) VCF-style: chr14-45644393-C-A.
Other names: c.2358C>A, p.His786Gln (NM_001308133.2); short protein forms H812Q, H786Q.
Identifiers: ClinVar variation 2823362 (VCV002823362.3), dbSNP rs1888585906, ClinGen allele CA389597841.

ClinVar aggregate classification (germline): Uncertain significance (1 of 4 stars; one submission).

Conditions:
Fanconi anemia (FA). Also called: Fanconi's anemia. Identifiers: Orphanet 84, MedGen C0015625, MeSH D005199, MONDO:0019391.

Submission:

Labcorp Genetics (formerly Invitae), Labcorp
Classification: Uncertain significance for Fanconi anemia. Last evaluated: 2022-12-22. Review status: criteria provided, single submitter. Criteria: Invitae Variant Classification Sherloc (09022015). Collection method: clinical testing. Allele origin: germline.
Comment: Algorithms developed to predict the effect of missense changes on protein structure and function (SIFT, PolyPhen-2, Align-GVGD) all suggest that this variant is likely to be tolerated. This variant has not been reported in the literature in individuals affected with FANCM-related conditions. This variant is not present in population databases (gnomAD no frequency). This sequence change replaces histidine, which is basic and polar, with glutamine, which is neutral and polar, at codon 812 of the FANCM protein (p.His812Gln). In summary, the available evidence is currently insufficient to determine the role of this variant in disease. Therefore, it has been classified as a Variant of Uncertain Significance.